The following is an entry in ClinVar:

NM_030665.4(RAI1):c.367dup (p.Ala123fs)

Gene: RAI1 (retinoic acid induced 1; plus strand). Cytogenetic location: 17p11.2.
Variant type: Duplication.
Coding change: c.367dup on transcript NM_030665.4 (MANE Select); coding-DNA position 367, one base duplicated (G; older notation c.367dupG).
Protein change: p.Ala123fs; shifts the reading frame from alanine 123.
Molecular consequence: frameshift variant.
Genome position (GRCh38, 1-based): chr17:17,793,315, G duplicated; the last of 6 consecutive G bases (chr17:17,793,310-17,793,315); duplicating any one gives the same sequence. VCF-style (leftmost placement, unchanged base first): chr17-17793309-T-TG. GRCh37 (hg19) VCF-style: chr17-17696623-T-TG.
Other names: short protein forms A123fs.
Identifiers: ClinVar variation 3062317 (VCV003062317.1), dbSNP rs1290537273, ClinGen allele CA625314481.

ClinVar aggregate classification (germline): Likely pathogenic (1 of 4 stars; one submission).

Conditions:
Smith-Magenis syndrome (SMS). Also called: CHROMOSOME 17p11.2 DELETION SYNDROME. Identifiers: Orphanet 819, MedGen C0795864, MONDO:0008434, OMIM 182290.

Submission:

Molecular Genetics Department, Kulakov National Medical Research Center for Obstetrics, Gynecology and Perinatology
Classification: Likely pathogenic for Smith-Magenis syndrome. Review status: criteria provided, single submitter. Criteria: ACMG Guidelines, 2015. Collection method: clinical testing. Allele origin: germline. Affected: yes.
Comment: A previously undescribed nucleotide variant creates a frameshift p.Ala123GlyfsTer20 in the RAI1 gene. Loss-of-function variants are reported in patients with Smith-Magenis syndrome, 182290. The variant is not present in population database (gnomAD no frequency). In summary, the currently available evidence indicates that the variant is pathogenic, but additional data are needed to prove that conclusively. Therefore, this variant has been classified as likely pathogenic.